The following is an entry in ClinVar:

ClinVar aggregate classification (germline): Uncertain significance (1 of 4 stars; one submission).

Submission:

Mayo Clinic Laboratories, Mayo Clinic
Classification: Uncertain significance. Last evaluated: 2024-03-19. Review status: criteria provided, single submitter. Criteria: ACMG Guidelines, 2015. Collection method: clinical testing. Allele origin: germline. Observed: 1 variant allele.
Comment: PM2

NM_014363.6(SACS):c.470A>T (p.Tyr157Phe)

Gene: SACS (sacsin molecular chaperone; minus strand). Cytogenetic location: 13q12.12.
Variant type: single nucleotide variant.
Coding change: c.470A>T on transcript NM_014363.6 (MANE Select); coding-DNA position 470, A replaced by T.
Protein change: p.Tyr157Phe; replaces tyrosine 157 with phenylalanine.
Molecular consequence: missense variant.
Genome position (GRCh38, 1-based): chr13:23,358,469, T>A on the plus strand (A>T on the coding strand, the complement: SACS is on the minus strand). VCF-style: chr13-23358469-T-A. GRCh37 (hg19) VCF-style: chr13-23932608-T-A.
Other names: p.Tyr157Phe; c.29A>T, p.Tyr10Phe (NM_001278055.2); short protein forms Y10F, Y157F.
Identifiers: ClinVar variation 3380147 (VCV003380147.1).